The following is an entry in ClinVar:

ClinVar aggregate classification (germline): Uncertain significance (1 of 4 stars; one submission).

Conditions:
Hereditary cancer-predisposing syndrome. Also called: Tumor predisposition; Hereditary Cancer Syndrome; Neoplastic Syndromes, Hereditary; Hereditary neoplastic syndrome. Identifiers: Orphanet 140162, MedGen C0027672, MeSH D009386, MONDO:0015356.

Submission:

Ambry Genetics
Classification: Uncertain significance for Hereditary cancer-predisposing syndrome. Last evaluated: 2024-08-02. Review status: criteria provided, single submitter. Criteria: Ambry Variant Classification Scheme 2023. Collection method: clinical testing. Allele origin: germline.
Comment: The p.D2822G variant (also known as c.8465A>G), located in coding exon 57 of the ATM gene, results from an A to G substitution at nucleotide position 8465. The aspartic acid at codon 2822 is replaced by glycine, an amino acid with similar properties. This amino acid position is poorly conserved in available vertebrate species. In addition, this alteration is predicted to be tolerated by in silico analysis. Based on the available evidence, the clinical significance of this variant remains unclear.

NM_000051.4(ATM):c.8465A>G (p.Asp2822Gly)

Genes: ATM (ATM serine/threonine kinase; plus strand), C11orf65 (chromosome 11 open reading frame 65; minus strand). Cytogenetic location: 11q22.3.
Variant type: single nucleotide variant.
Coding change: c.8465A>G on transcript NM_000051.4 (MANE Select); coding-DNA position 8465, A replaced by G.
Protein change: p.Asp2822Gly; replaces aspartic acid 2822 with glycine.
Molecular consequence: missense variant. On other transcripts: intron variant (2).
Genome position (GRCh38, 1-based): chr11:108,345,789, A>G. VCF-style: chr11-108345789-A-G. GRCh37 (hg19) VCF-style: chr11-108216516-A-G.
Other names: c.8465A>G, p.Asp2822Gly (NM_001351834.2); c.641-36718T>C (NM_001330368.2); c.695-10497T>C (NM_001351110.2); short protein forms D2822G.
Identifiers: ClinVar variation 3450312 (VCV003450312.1).
Genomic context (GRCh38, chr11:108,345,789, plus strand): 5'-TTCTCTATTTAAAGGAGGTGCAAAAAAAGTCTTTTGAAGAGAAATATGAAGTCTTCATGG[A>G]TGTTTGCCAAAATTTTCAACCAGTTTTCCGTTACTTCTGCATGGAAAAATTCTTGGATCC-3'
Protein context (NP_000042.3, residues 2812-2832): SFEEKYEVFM[Asp2822Gly]VCQNFQPVFR